The following is an entry in ClinVar:

ClinVar aggregate classification (germline): Uncertain significance. Review status: criteria provided, multiple submitters, no conflicts (2 of 4 stars). 4 submissions from 4 submitters: Uncertain significance (4). Last evaluated 2025-01-17.

Conditions:
Hereditary cancer-predisposing syndrome. Also called: Hereditary neoplastic syndrome; Neoplastic Syndromes, Hereditary; Tumor predisposition; Hereditary Cancer Syndrome. Identifiers: Orphanet 140162, MedGen C0027672, MeSH D009386, MONDO:0015356.
Familial cancer of breast. Also called: hereditary breast carcinoma; Hereditary breast cancer; BREAST CANCER, FAMILIAL. Identifiers: Orphanet 227535, MedGen C0346153, MONDO:0016419, OMIM 114480. Disease mechanism: loss of function.

Submissions (4):

Ambry Genetics
Classification: Uncertain significance for Hereditary cancer-predisposing syndrome. Last evaluated: 2025-01-17. Review status: criteria provided, single submitter. Criteria: Ambry Variant Classification Scheme 2023. Collection method: clinical testing. Allele origin: germline.
Comment: The p.D584G variant (also known as c.1751A>G), located in coding exon 5 of the PALB2 gene, results from an A to G substitution at nucleotide position 1751. The aspartic acid at codon 584 is replaced by glycine, an amino acid with similar properties. This amino acid position is well conserved in available vertebrate species. In addition, this alteration is predicted to be tolerated by in silico analysis. Since supporting evidence is limited at this time, the clinical significance of this alteration remains unclear.

Labcorp Genetics (formerly Invitae), Labcorp
Classification: Uncertain significance for Familial cancer of breast. Last evaluated: 2024-03-26. Review status: criteria provided, single submitter. Criteria: Invitae Variant Classification Sherloc (09022015). Collection method: clinical testing. Allele origin: germline.
Comment: This sequence change replaces aspartic acid, which is acidic and polar, with glycine, which is neutral and non-polar, at codon 584 of the PALB2 protein (p.Asp584Gly). This variant is not present in population databases (gnomAD no frequency). This variant has not been reported in the literature in individuals affected with PALB2-related conditions. ClinVar contains an entry for this variant (Variation ID: 1509210). Advanced modeling of protein sequence and biophysical properties (such as structural, functional, and spatial information, amino acid conservation, physicochemical variation, residue mobility, and thermodynamic stability) performed at Invitae indicates that this missense variant is not expected to disrupt PALB2 protein function with a negative predictive value of 80%. In summary, the available evidence is currently insufficient to determine the role of this variant in disease. Therefore, it has been classified as a Variant of Uncertain Significance.

Color Diagnostics, LLC DBA Color Health
Classification: Uncertain significance for Hereditary cancer-predisposing syndrome. Last evaluated: 2022-05-09. Review status: criteria provided, single submitter. Criteria: ACMG Guidelines, 2015. Collection method: clinical testing. Allele origin: germline.
Comment: This missense variant replaces aspartic acid with glycine at codon 584 of the PALB2 protein. Computational prediction suggests that this variant may not impact protein structure and function (internally defined REVEL score threshold <= 0.5, PMID: 27666373). To our knowledge, functional studies have not been reported for this variant. This variant has been reported in an individual affected with prostate cancer (PMID: 29659569). This variant has not been identified in the general population by the Genome Aggregation Database (gnomAD). The available evidence is insufficient to determine the role of this variant in disease conclusively. Therefore, this variant is classified as a Variant of Uncertain Significance.

GeneDx
Classification: Uncertain significance. Last evaluated: 2022-04-04. Review status: criteria provided, single submitter. Criteria: GeneDx Variant Classification Process June 2021. Collection method: clinical testing. Allele origin: germline. Affected: yes.
Comment: Not observed at significant frequency in large population cohorts (gnomAD); In silico analysis supports that this missense variant has a deleterious effect on protein structure/function; Has not been previously published as pathogenic or benign to our knowledge

Literature cited by the submitters: PubMed 29659569 (cited by Color Diagnostics, LLC DBA Color Health).

NM_024675.4(PALB2):c.1751A>G (p.Asp584Gly)

Gene: PALB2 (partner and localizer of BRCA2; minus strand). Cytogenetic location: 16p12.2.
Variant type: single nucleotide variant.
Coding change: c.1751A>G on transcript NM_024675.4 (MANE Select); coding-DNA position 1751, A replaced by G.
Protein change: p.Asp584Gly; replaces aspartic acid 584 with glycine.
Molecular consequence: missense variant.
Genome position (GRCh38, 1-based): chr16:23,630,403, T>C on the plus strand (A>G on the coding strand, the complement: PALB2 is on the minus strand). VCF-style: chr16-23630403-T-C. GRCh37 (hg19) VCF-style: chr16-23641724-T-C.
Other names: short protein forms D584G.
Identifiers: ClinVar variation 1509210 (VCV001509210.17), dbSNP rs2142390124, ClinGen allele CA395128256.